The following is an entry in ClinVar:

NM_006941.4(SOX10):c.475C>T (p.Arg159Trp)

Genes: POLR2F (RNA polymerase II, I and III subunit F; plus strand), SOX10 (SRY-box transcription factor 10; minus strand). Cytogenetic location: 22q13.1.
Variant type: single nucleotide variant.
Coding change: c.475C>T on transcript NM_006941.4 (MANE Select); coding-DNA position 475, C replaced by T.
Protein change: p.Arg159Trp; replaces arginine 159 with tryptophan.
Molecular consequence: missense variant. On other transcripts: intron variant (3).
Genome position (GRCh38, 1-based): chr22:37,978,089, G>A on the plus strand (C>T on the coding strand, the complement: SOX10 is on the minus strand). VCF-style: chr22-37978089-G-A. GRCh37 (hg19) VCF-style: chr22-38374096-G-A.
Other names: c.*38+5779G>A (NM_001363825.1); c.294-8065G>A (NM_001301130.2); c.293+10919G>A (NM_001301131.2); short protein forms R159W.
Identifiers: ClinVar variation 4538585 (VCV004538585.3).
Genomic context (GRCh38, chr22:37,978,089, plus strand): 5'-TCCGCCGCCTGGGCTGGTACTTGTAGTCCGGGTGGTCTTTCTTGTGCTGCATACGGAGCC[G>A]CTCAGCCTCCTCGATGAAGGGGCGCTTGTCACTTTCGTTCAGCAGCCTGGGGTGTGGTGG-3'
Protein context (NP_008872.1, residues 149-169): DKRPFIEEAE[Arg159Trp]LRMQHKKDHP

ClinVar aggregate classification (germline): Pathogenic/Likely pathogenic. Review status: criteria provided, multiple submitters, no conflicts (2 of 4 stars). 2 submissions from 2 submitters: Pathogenic (1); Likely pathogenic (1). Last evaluated 2026-01-06.

Conditions:
SOX10-related disorder. Also called: SOX10-related condition.

gnomAD v4.1: 2 of 1,595,506 alleles (0.00013%); highest among the groups gnomAD compares: Non-Finnish European, 0.00017%; no homozygotes.

Submissions (2):

GeneDx
Classification: Likely pathogenic. Last evaluated: 2026-01-06. Review status: criteria provided, single submitter. Criteria: GeneDx Variant Classification Process June 2021. Collection method: clinical testing. Allele origin: germline.
Comment: Published functional studies suggest p.(R159W) fails to transactivate a full-length MITF promoter (PMID: 34095692); In silico analysis supports that this missense variant has a deleterious effect on protein structure/function; Not observed at significant frequency in large population cohorts (gnomAD); This variant is associated with the following publications: (PMID: 33442024, 34095692, 32400067, 39309794, 41042998)

Blueprint Genetics
Classification: Pathogenic for SOX10-related disorders. Last evaluated: 2023-05-09. Review status: criteria provided, single submitter. Criteria: ACMG Guidelines, 2015. Collection method: clinical testing. Allele origin: germline. Affected: yes. Observed: 2 variant alleles.